The following is an entry in ClinVar:

NM_000492.4(CFTR):c.44T>A (p.Leu15His)

Gene: CFTR (CF transmembrane conductance regulator; plus strand). Cytogenetic location: 7q31.2.
Variant type: single nucleotide variant.
Coding change: c.44T>A on transcript NM_000492.4 (MANE Select); coding-DNA position 44, T replaced by A.
Protein change: p.Leu15His; replaces leucine 15 with histidine.
Molecular consequence: missense variant.
Genome position (GRCh38, 1-based): chr7:117,480,138, T>A. VCF-style: chr7-117480138-T-A. GRCh37 (hg19) VCF-style: chr7-117120192-T-A.
Other names: short protein forms L15H.
Identifiers: ClinVar variation 1709997 (VCV001709997.6), dbSNP rs1562876459, ClinGen allele CA368981335.
Genomic context (GRCh38, chr7:117,480,138, plus strand): 5'-CCAGCGCCCGAGAGACCATGCAGAGGTCGCCTCTGGAAAAGGCCAGCGTTGTCTCCAAAC[T>A]TTTTTTCAGGTGAGAAGGTGGCCAACCGAGCTTCGGAAAGACACGTGCCCACGAAAGAGG-3'
Protein context (NP_000483.3, residues 5-25): PLEKASVVSK[Leu15His]FFSWTRPILR

ClinVar aggregate classification (germline): Conflicting classifications of pathogenicity. Review status: criteria provided, conflicting classifications (1 of 4 stars). 3 submissions from 3 submitters: Likely pathogenic (1); Uncertain significance (1). 1 of the submissions does not count toward it. Last evaluated 2023-10-28.

Conditions:
CFTR-related disorder (CFTR-RD). Also called: CFTR-related condition; CFTR-related disorders. Identifiers: MedGen C5924204, MONDO:7770004.
Congenital bilateral aplasia of vas deferens from CFTR mutation (CBAVD). Identifiers: Orphanet 48, MedGen C0403814, MONDO:0010178, OMIM 277180. Disease mechanism: loss of function.
Cystic fibrosis (CF). Also called: MUCOVISCIDOSIS. Identifiers: Orphanet 586, MedGen C0010674, MONDO:0009061, OMIM 219700. Disease mechanism: loss of function.

Submissions (3):

Labcorp Genetics (formerly Invitae), Labcorp
Classification: Uncertain significance for Cystic fibrosis. Last evaluated: 2023-10-28. Review status: criteria provided, single submitter. Criteria: Invitae Variant Classification Sherloc (09022015). Collection method: clinical testing. Allele origin: germline.
Comment: This sequence change replaces leucine, which is neutral and non-polar, with histidine, which is basic and polar, at codon 15 of the CFTR protein (p.Leu15His). This variant is not present in population databases (gnomAD no frequency). This variant has not been reported in the literature in individuals affected with CFTR-related conditions. ClinVar contains an entry for this variant (Variation ID: 1709997). Advanced modeling of protein sequence and biophysical properties (such as structural, functional, and spatial information, amino acid conservation, physicochemical variation, residue mobility, and thermodynamic stability) has been performed at Invitae for this missense variant, however the output from this modeling did not meet the statistical confidence thresholds required to predict the impact of this variant on CFTR protein function. This variant disrupts the p.Leu15 amino acid residue in CFTR. Other variant(s) that disrupt this residue have been determined to be pathogenic (PMID: 20100616, 23687349, 28736296, 30763667). This suggests that this residue is clinically significant, and that variants that disrupt this residue are likely to be disease-causing. In summary, the available evidence is currently insufficient to determine the role of this variant in disease. Therefore, it has been classified as a Variant of Uncertain Significance.

MGZ Medical Genetics Center
Classification: Likely pathogenic for Congenital bilateral aplasia of vas deferens from CFTR mutation. Last evaluated: 2021-11-15. Review status: criteria provided, single submitter. Criteria: ACMG Guidelines, 2015. Collection method: clinical testing. Allele origin: germline. Affected: yes. Observed: 1 variant allele.
Comment: ACMG criteria applied: PM1, PM5, PM2_SUP, PP3

Natera, Inc.
Classification: Uncertain significance for CFTR-related disorders. Last evaluated: 2025-02-04. Review status: no assertion criteria provided. Collection method: clinical testing. Allele origin: germline. Not counted in ClinVar's aggregate classification.

Literature cited by the submitters: PubMed 20100616 (cited by Labcorp Genetics (formerly Invitae), Labcorp); PubMed 23687349 (cited by Labcorp Genetics (formerly Invitae), Labcorp); PubMed 28736296 (cited by Labcorp Genetics (formerly Invitae), Labcorp); PubMed 30763667 (cited by Labcorp Genetics (formerly Invitae), Labcorp).